The following is an entry in ClinVar:

ClinVar aggregate classification (germline): Uncertain significance (1 of 4 stars; one submission).

Conditions:
Dilated cardiomyopathy 1JJ (CMD1JJ). Identifiers: Orphanet 154, MedGen C3808935, MONDO:0014095, OMIM 615235.

Submission:

Labcorp Genetics (formerly Invitae), Labcorp
Classification: Uncertain significance for Dilated cardiomyopathy 1JJ. Last evaluated: 2024-11-21. Review status: criteria provided, single submitter. Criteria: Invitae Variant Classification Sherloc (09022015). Collection method: clinical testing. Allele origin: germline.
Comment: This sequence change replaces serine, which is neutral and polar, with tyrosine, which is neutral and polar, at codon 1496 of the LAMA4 protein (p.Ser1496Tyr). This variant is not present in population databases (gnomAD no frequency). This variant has not been reported in the literature in individuals affected with LAMA4-related conditions. Invitae Evidence Modeling of protein sequence and biophysical properties (such as structural, functional, and spatial information, amino acid conservation, physicochemical variation, residue mobility, and thermodynamic stability) indicates that this missense variant is not expected to disrupt LAMA4 protein function with a negative predictive value of 80%. In summary, the available evidence is currently insufficient to determine the role of this variant in disease. Therefore, it has been classified as a Variant of Uncertain Significance.

NM_001105206.3(LAMA4):c.4508C>A (p.Ser1503Tyr)

Gene: LAMA4 (laminin subunit alpha 4; minus strand). Cytogenetic location: 6q21.
Variant type: single nucleotide variant.
Coding change: c.4508C>A on transcript NM_001105206.3 (MANE Select); coding-DNA position 4508, C replaced by A.
Protein change: p.Ser1503Tyr; replaces serine 1503 with tyrosine.
Molecular consequence: missense variant.
Genome position (GRCh38, 1-based): chr6:112,120,440, G>T on the plus strand (C>A on the coding strand, the complement: LAMA4 is on the minus strand). VCF-style: chr6-112120440-G-T. GRCh37 (hg19) VCF-style: chr6-112441643-G-T.
Other names: c.4487C>A, p.Ser1496Tyr (NM_001105207.3, NM_002290.5); short protein forms S1496Y, S1503Y.
Identifiers: ClinVar variation 3660202 (VCV003660202.2).